The following is an entry in ClinVar:

NM_001370658.1(BTD):c.249+2C>G

Gene: BTD (biotinidase; plus strand). Cytogenetic location: 3p25.1.
Variant type: single nucleotide variant.
Coding change: c.249+2C>G on transcript NM_001370658.1 (MANE Select); the canonical splice donor site of the intron after coding-DNA position 249, C replaced by G.
Molecular consequence: splice donor variant.
Genome position (GRCh38, 1-based): chr3:15,635,690, C>G. VCF-style: chr3-15635690-C-G. GRCh37 (hg19) VCF-style: chr3-15677197-C-G.
Other names: c.249+2C>G (NM_001407378.1, NM_001323582.2, NM_001407398.1 and 37 more transcripts); c.309+2C>G (NM_000060.4).
Identifiers: ClinVar variation 1711566 (VCV001711566.31), dbSNP rs2471443659, ClinGen allele CA351604235.

ClinVar aggregate classification (germline): Pathogenic. Review status: criteria provided, single submitter (1 of 4 stars). 2 submissions from 2 submitters: Pathogenic (1). 1 of the submissions does not count toward it. Last evaluated 2022-07-01.

Conditions:
Biotinidase deficiency. Also called: BTD deficiency; Late-onset biotin-responsive multiple carboxylase deficiency; Biotin deficiency. Identifiers: Orphanet 79241, MedGen C0220754, MONDO:0009665, OMIM 253260.

Submissions (2):

CeGaT Center for Human Genetics Tuebingen
Classification: Pathogenic. Last evaluated: 2022-07-01. Review status: criteria provided, single submitter. Criteria: CeGaT Center For Human Genetics Tuebingen Variant Classification Criteria Version 2. Collection method: clinical testing. Allele origin: germline. Affected: yes. Observed: 1 variant allele.
Comment: BTD: PVS1, PM2

Natera, Inc.
Classification: Uncertain significance for Biotinidase deficiency. Last evaluated: 2023-04-26. Review status: no assertion criteria provided. Collection method: clinical testing. Allele origin: germline. Not counted in ClinVar's aggregate classification.